The following is an entry in ClinVar:

NM_001917.5(DAO):c.132C>A (p.Thr44=)

Gene: DAO (D-amino acid oxidase; plus strand). Cytogenetic location: 12q24.11.
Variant type: single nucleotide variant.
Coding change: c.132C>A on transcript NM_001917.5 (MANE Select); coding-DNA position 132, C replaced by A.
Protein change: p.Thr44=; no amino-acid change (threonine 44 retained).
Molecular consequence: synonymous variant.
Genome position (GRCh38, 1-based): chr12:108,885,138, C>A. VCF-style: chr12-108885138-C-A. GRCh37 (hg19) VCF-style: chr12-109278914-C-A.
Other names: c.132C>A, p.Thr44= (NM_001413634.1, NM_001413635.1).
Identifiers: ClinVar variation 3033684 (VCV003033684.2), dbSNP rs779881826, ClinGen allele CA481686184.

ClinVar aggregate classification (germline): Likely benign (0 of 4 stars; one submission).

Conditions:
DAO-related disorder. Also called: DAO-related condition.

Submission:

PreventionGenetics, part of Exact Sciences
Classification: Likely benign for DAO-related condition. Last evaluated: 2023-11-07. Review status: no assertion criteria provided. Collection method: clinical testing. Allele origin: germline.
Comment: This variant is classified as likely benign based on ACMG/AMP sequence variant interpretation guidelines (Richards et al. 2015 PMID: 25741868, with internal and published modifications).